The following is an entry in ClinVar:

NM_006432.5(NPC2):c.358C>T (p.Pro120Ser)

Gene: NPC2 (NPC intracellular cholesterol transporter 2; minus strand). Cytogenetic location: 14q24.3.
Variant type: single nucleotide variant.
Coding change: c.358C>T on transcript NM_006432.5 (MANE Select); coding-DNA position 358, C replaced by T.
Protein change: p.Pro120Ser; replaces proline 120 with serine.
Molecular consequence: missense variant.
Genome position (GRCh38, 1-based): chr14:74,484,420, G>A on the plus strand (C>T on the coding strand, the complement: NPC2 is on the minus strand). VCF-style: chr14-74484420-G-A. GRCh37 (hg19) VCF-style: chr14-74951123-G-A.
Other names: c.358C>T (NM_006432.4); c.358C>T, p.Pro120Ser (NM_001363688.1, NM_001375440.1); short protein forms P120S.
Identifiers: ClinVar variation 8486 (VCV000008486.18), dbSNP rs104894458, ClinGen allele CA254414.

ClinVar aggregate classification (germline): Pathogenic/Likely pathogenic. Review status: criteria provided, multiple submitters, no conflicts (2 of 4 stars). 8 submissions from 8 submitters: Pathogenic (4); Likely pathogenic (2). 2 of the submissions do not count toward it. Last evaluated 2025-06-12.

Conditions:
Niemann-Pick disease, type C (NPC). Identifiers: Orphanet 646, MedGen C0220756, MONDO:0018982.
Niemann-Pick disease, type C2 (NPC2). Identifiers: Orphanet 646, MedGen C1843366, MONDO:0011873, OMIM 607625.
Niemann-Pick disease, type C1. Also called: NEUROVISCERAL STORAGE DISEASE WITH VERTICAL SUPRANUCLEAR OPHTHALMOPLEGIA; NIEMANN-PICK DISEASE WITH CHOLESTEROL ESTERIFICATION BLOCK; NIEMANN-PICK DISEASE WITHOUT SPHINGOMYELINASE DEFICIENCY; NIEMANN-PICK DISEASE, CHRONIC NEURONOPATHIC FORM; NIEMANN-PICK DISEASE, VARIANT TYPE C1. Identifiers: Orphanet 646, MedGen C3179455, MONDO:0009757, OMIM 257220.

Allele frequency attached by ClinVar (database versions not stated): gnomAD exomes 0.00001.
gnomAD v4.1: 3 of 1,614,046 alleles (0.00019%); highest among the groups gnomAD compares: South Asian, 0.0011%; no homozygotes.

Submissions (8):

Clinical Genetics Laboratory, Skane University Hospital Lund
Classification: Likely pathogenic for Niemann-Pick disease, type C2. Last evaluated: 2025-06-12. Review status: criteria provided, single submitter. Criteria: ACMG Guidelines, 2015. Collection method: clinical testing. Allele origin: germline. Inheritance: Autosomal recessive inheritance.
Comment: ACMG criteria used: PS3_Supporting, PM2, PM3, PP3.

Women's Health and Genetics/Laboratory Corporation of America, LabCorp
Classification: Pathogenic for Niemann-Pick disease, type C. Last evaluated: 2025-03-31. Review status: criteria provided, single submitter. Criteria: LabCorp Variant Classification Summary - May 2015. Collection method: clinical testing. Allele origin: germline.
Comment: Variant summary: NPC2 c.358C>T (p.Pro120Ser) results in a non-conservative amino acid change in the encoded protein sequence. Five of five in-silico tools predict a damaging effect of the variant on protein function. The variant allele was found at a frequency of 8e-06 in 251484 control chromosomes (gnomAD). c.358C>T has been reported in the literature in homozygous individuals affected with Niemann-Pick Disease Type C (examples: Alavi_2013, Millat_2005). These data indicate that the variant is very likely to be associated with disease. The following publications have been ascertained in the context of this evaluation (PMID: 23791309, 16126423). ClinVar contains an entry for this variant (Variation ID: 8486). Based on the evidence outlined above, the variant was classified as pathogenic.

Labcorp Genetics (formerly Invitae), Labcorp
Classification: Pathogenic for Niemann-Pick disease, type C2. Last evaluated: 2024-10-31. Review status: criteria provided, single submitter. Criteria: Invitae Variant Classification Sherloc (09022015). Collection method: clinical testing. Allele origin: germline.
Comment: This sequence change replaces proline, which is neutral and non-polar, with serine, which is neutral and polar, at codon 120 of the NPC2 protein (p.Pro120Ser). This variant is present in population databases (rs104894458, gnomAD 0.003%). This missense change has been observed in individual(s) with Niemann-Pick disease type C (PMID: 16126423, 23791309). It has also been observed to segregate with disease in related individuals. ClinVar contains an entry for this variant (Variation ID: 8486). An algorithm developed to predict the effect of missense changes on protein structure and function (PolyPhen-2) suggests that this variant is likely to be disruptive. Experimental studies have shown that this missense change affects NPC2 function (PMID: 18772377). For these reasons, this variant has been classified as Pathogenic.

Natera, Inc.
Classification: Likely pathogenic for Niemann-Pick disease type C2. Last evaluated: 2024-06-03. Review status: criteria provided, single submitter. Criteria: Natera Variant Classification Schema (03/2026). Collection method: clinical testing. Allele origin: germline.
Comment: The c.358C>T variant in NPC2 is a missense variant predicted to cause substitution of proline to serine at amino acid 120. This variant is rare in the general population with a frequency below the threshold expected for the associated phenotype(s). This variant has been observed in one or more individuals affected with the associated recessive disease, as either homozygous or compound heterozygous with a second variant (PMID: 21752152, 23791309, 32616471, 35696615). Functional studies show that this variant may disrupt protein function (PMID: 18772377). Computational prediction algorithms indicate this variant is likely to affect gene or protein function. Given the available evidence, this variant is classified as Likely Pathogenic.

Revvity Omics, Revvity
Classification: Pathogenic for Niemann-Pick disease, type C2. Last evaluated: 2023-12-27. Review status: criteria provided, single submitter. Criteria: ACMG Guidelines, 2015. Collection method: clinical testing. Allele origin: germline.

Kariminejad - Najmabadi Pathology & Genetics Center
Classification: Pathogenic for Niemann-Pick disease, type C2. Review status: criteria provided, single submitter. Criteria: ACMG Guidelines, 2015. Collection method: clinical testing. Allele origin: germline. Affected: no.

Clinical Genetics Laboratory, University Hospital Schleswig-Holstein
Classification: Pathogenic for Niemann-Pick disease, type C1. Last evaluated: 2021-02-09. Review status: no assertion criteria provided. Collection method: clinical testing. Allele origin: germline. Affected: yes. Not counted in ClinVar's aggregate classification.

OMIM
Classification: Pathogenic for NIEMANN-PICK DISEASE, TYPE C2. Last evaluated: 2007-04-01. Review status: no assertion criteria provided. Collection method: literature only. Allele origin: germline. Not counted in ClinVar's aggregate classification.

Literature cited by the submitters: PubMed 16126423 (cited by Women's Health and Genetics/Laboratory Corporation of America, LabCorp and Labcorp Genetics (formerly Invitae), Labcorp); PubMed 23791309 (cited by 3 submitters); PubMed 18772377 (cited by Labcorp Genetics (formerly Invitae), Labcorp and Natera, Inc.); PubMed 21752152 (cited by Natera, Inc.); PubMed 32616471 (cited by Natera, Inc.); PubMed 35696615 (cited by Natera, Inc.); PubMed 17470133 (cited by OMIM).